The following is an entry in ClinVar:

ClinVar aggregate classification (germline): Uncertain significance. Review status: criteria provided, multiple submitters, no conflicts (2 of 4 stars). 2 submissions from 2 submitters: Uncertain significance (2). Last evaluated 2024-05-20.

Conditions:
Inborn genetic diseases. Identifiers: MedGen C0950123, MeSH D030342.
Spastic paraplegia. Identifiers: MedGen C0037772, HP:0001258.

Allele frequency attached by ClinVar (database versions not stated): gnomAD 0.00017 and 0.00018; TOPMed 0.00020; gnomAD exomes 0.00021 and 0.00022; ExAC 0.00030.
gnomAD v4.1: 349 of 1,608,184 alleles (0.022%); highest among the groups gnomAD compares: Non-Finnish European, 0.027%; no homozygotes.

Submissions (2):

Labcorp Genetics (formerly Invitae), Labcorp
Classification: Uncertain significance for Spastic paraplegia. Last evaluated: 2024-05-20. Review status: criteria provided, single submitter. Criteria: Invitae Variant Classification Sherloc (09022015). Collection method: clinical testing. Allele origin: germline.
Comment: This sequence change replaces arginine, which is basic and polar, with glycine, which is neutral and non-polar, at codon 420 of the GJC2 protein (p.Arg420Gly). This variant is present in population databases (rs745978138, gnomAD 0.04%). This variant has not been reported in the literature in individuals affected with GJC2-related conditions. ClinVar contains an entry for this variant (Variation ID: 1017851). Advanced modeling of protein sequence and biophysical properties (such as structural, functional, and spatial information, amino acid conservation, physicochemical variation, residue mobility, and thermodynamic stability) has been performed at Invitae for this missense variant, however the output from this modeling did not meet the statistical confidence thresholds required to predict the impact of this variant on GJC2 protein function. In summary, the available evidence is currently insufficient to determine the role of this variant in disease. Therefore, it has been classified as a Variant of Uncertain Significance.

Ambry Genetics
Classification: Uncertain significance for Inborn genetic diseases. Last evaluated: 2023-08-23. Review status: criteria provided, single submitter. Criteria: Ambry Variant Classification Scheme 2023. Collection method: clinical testing. Allele origin: germline.
Comment: The c.1258A>G (p.R420G) alteration is located in exon 2 (coding exon 1) of the GJC2 gene. This alteration results from a A to G substitution at nucleotide position 1258, causing the arginine (R) at amino acid position 420 to be replaced by a glycine (G). The p.R420G alteration is predicted to be tolerated by in silico analysis. Based on insufficient or conflicting evidence, the clinical significance of this alteration remains unclear.

NM_020435.4(GJC2):c.1258A>G (p.Arg420Gly)

Gene: GJC2 (gap junction protein gamma 2; plus strand). Cytogenetic location: 1q42.13.
Variant type: single nucleotide variant.
Coding change: c.1258A>G on transcript NM_020435.4 (MANE Select); coding-DNA position 1258, A replaced by G.
Protein change: p.Arg420Gly; replaces arginine 420 with glycine.
Molecular consequence: missense variant.
Genome position (GRCh38, 1-based): chr1:228,159,016, A>G. VCF-style: chr1-228159016-A-G. GRCh37 (hg19) VCF-style: chr1-228346717-A-G.
Other names: c.1258A>G (NM_020435.3); short protein forms R420G.
Identifiers: ClinVar variation 1017851 (VCV001017851.10), dbSNP rs745978138, ClinGen allele CA1430978.
Genomic context (GRCh38, chr1:228,159,016, plus strand): 5'-GCGGGCACTGTCGGGGAGCAGGGCCGGCCCGGCACCCACGAGCGGCCAGGAGCCAAGCCC[A>G]GGGCTGGCTCCGAGAAGGGCAGTGCCAGCAGCAGGGACGGGAAGACCACCGTGTGGATCT-3'
Protein context (NP_065168.2, residues 410-430): GTHERPGAKP[Arg420Gly]AGSEKGSASS